The following is an entry in ClinVar:

ClinVar aggregate classification (germline): Likely benign. Review status: criteria provided, multiple submitters, no conflicts (2 of 4 stars). 3 submissions from 3 submitters: Likely benign (3). Last evaluated 2025-12-21.

Conditions:
Hypertrophic cardiomyopathy. Also called: HYPERTROPHIC MYOCARDIOPATHY. Identifiers: Orphanet 217569, MedGen C0007194, MeSH D002312, MONDO:0005045, HP:0001639.
Cardiovascular phenotype. Identifiers: MedGen CN230736.
MYBPC3-related disorder. Also called: MYBPC3-related condition; MYBPC3-related disease; MYBPC3-related disorders.

Allele frequency attached by ClinVar (database versions not stated): 1000 Genomes Project 30x 0.00016; 1000 Genomes Project 0.00020.
gnomAD v4.1: 3 of 1,613,396 alleles (0.00019%); highest among the groups gnomAD compares: African/African-American, 0.0027%; no homozygotes.

Submissions (3):

Labcorp Genetics (formerly Invitae), Labcorp
Classification: Likely benign for Hypertrophic cardiomyopathy. Last evaluated: 2025-12-21. Review status: criteria provided, single submitter. Criteria: Invitae Variant Classification Sherloc (09022015). Collection method: clinical testing. Allele origin: germline.

PreventionGenetics, part of Exact Sciences
Classification: Likely benign for MYBPC3-related condition. Last evaluated: 2025-04-30. Review status: criteria provided, single submitter. Criteria: ACMG Guidelines, 2015. Collection method: clinical testing. Allele origin: germline.
Comment: This variant is classified as likely benign based on ACMG/AMP sequence variant interpretation guidelines (Richards et al. 2015 PMID: 25741868, with internal and published modifications).

Ambry Genetics
Classification: Likely benign for Cardiovascular phenotype. Last evaluated: 2022-08-16. Review status: criteria provided, single submitter. Criteria: Ambry Variant Classification Scheme 2023. Collection method: clinical testing. Allele origin: germline.

NM_000256.3(MYBPC3):c.684T>C (p.Asp228=)

Gene: MYBPC3 (myosin binding protein C3; minus strand). Cytogenetic location: 11p11.2.
Variant type: single nucleotide variant.
Coding change: c.684T>C on transcript NM_000256.3 (MANE Select); coding-DNA position 684, T replaced by C.
Protein change: p.Asp228=; no amino-acid change (aspartic acid 228 retained).
Molecular consequence: synonymous variant.
Genome position (GRCh38, 1-based): chr11:47,348,512, A>G on the plus strand (T>C on the coding strand, the complement: MYBPC3 is on the minus strand). VCF-style: chr11-47348512-A-G. GRCh37 (hg19) VCF-style: chr11-47370063-A-G.
Identifiers: ClinVar variation 1755790 (VCV001755790.8), dbSNP rs532498780, ClinGen allele CA056462.